The following is an entry in ClinVar:

NM_004924.6(ACTN4):c.978G>A (p.Gln326=)

Gene: ACTN4 (actinin alpha 4; plus strand). Cytogenetic location: 19q13.2.
Variant type: single nucleotide variant.
Coding change: c.978G>A on transcript NM_004924.6 (MANE Select); coding-DNA position 978, G replaced by A.
Protein change: p.Gln326=; no amino-acid change (glutamine 326 retained).
Molecular consequence: synonymous variant.
Genome position (GRCh38, 1-based): chr19:38,717,151, G>A. VCF-style: chr19-38717151-G-A. GRCh37 (hg19) VCF-style: chr19-39207791-G-A.
Other names: p.Gln326=; c.978G>A, p.Gln326= (NM_001322033.2).
Identifiers: ClinVar variation 259584 (VCV000259584.21), dbSNP rs117392350, ClinGen allele CA9417503.

ClinVar aggregate classification (germline): Benign/Likely benign. Review status: criteria provided, multiple submitters, no conflicts (2 of 4 stars). 8 submissions from 8 submitters: Benign (6); Likely benign (2). Last evaluated 2026-01-21.

Conditions:
Kidney disorder. Also called: renal disorder; Nephropathy; renal disease; Kidney disease; Kidney Diseases. Identifiers: MedGen C0022658, MONDO:0005240, HP:0000112.
Focal segmental glomerulosclerosis 1 (FSGS1). Identifiers: Orphanet 656, MedGen C4551527, MONDO:0011303, OMIM 603278.

Allele frequency attached by ClinVar (database versions not stated): gnomAD 0.00253 and 0.00275; TOPMed 0.00469; gnomAD exomes 0.00581 and 0.00145; ESP Exome Variant Server 0.00008; ExAC 0.00435; 1000 Genomes Project 30x 0.00781; 1000 Genomes Project 0.00699.
gnomAD v4.1: 2,498 of 1,614,252 alleles (0.15%); highest among the groups gnomAD compares: Admixed American, 3.7%; 75 homozygotes.

Submissions (8):

Labcorp Genetics (formerly Invitae), Labcorp
Classification: Benign. Last evaluated: 2026-01-21. Review status: criteria provided, single submitter. Criteria: Invitae Variant Classification Sherloc (09022015). Collection method: clinical testing. Allele origin: germline.

Mayo Clinic Laboratories, Mayo Clinic
Classification: Benign. Last evaluated: 2023-05-24. Review status: criteria provided, single submitter. Criteria: ACMG Guidelines, 2015. Collection method: clinical testing. Allele origin: germline. Observed: 4 variant alleles.
Comment: BS1, BS2, BP4, BP7

Genome-Nilou Lab
Classification: Benign for Focal segmental glomerulosclerosis 1. Last evaluated: 2021-12-05. Review status: criteria provided, single submitter. Criteria: ACMG Guidelines, 2015. Collection method: clinical testing. Allele origin: germline. Affected: no.

GeneDx
Classification: Likely benign. Last evaluated: 2021-02-09. Review status: criteria provided, single submitter. Criteria: GeneDx Variant Classification Process June 2021. Collection method: clinical testing. Allele origin: germline. Affected: yes.

Genome Diagnostics Laboratory, The Hospital for Sick Children
Classification: Benign for Kidney disorder. Last evaluated: 2019-10-01. Review status: criteria provided, single submitter. Criteria: ACMG Guidelines, 2015. Collection method: clinical testing. Allele origin: germline.

Athena Diagnostics
Classification: Benign. Last evaluated: 2019-05-28. Review status: criteria provided, single submitter. Criteria: Athena Diagnostics Criteria. Collection method: clinical testing. Allele origin: germline.

Breakthrough Genomics
Classification: Likely benign. Review status: criteria provided, single submitter. Criteria: ACMG Guidelines, 2015. Collection method: not provided. Allele origin: germline. Inheritance: Autosomal dominant inheritance. Affected: yes.

PreventionGenetics, part of Exact Sciences
Classification: Benign. Review status: criteria provided, single submitter. Criteria: ACMG Guidelines, 2015. Collection method: clinical testing. Allele origin: germline.

Literature cited by the submitters: PubMed 19142020 (cited by Athena Diagnostics).